The following is an entry in ClinVar:

NM_001273.5(CHD4):c.5553C>T (p.His1851=)

Genes: CHD4 (chromodomain helicase DNA binding protein 4; minus strand), CHD4-AS1 (CHD4 antisense RNA 1; plus strand). Cytogenetic location: 12p13.31.
Variant type: single nucleotide variant.
Coding change: c.5553C>T on transcript NM_001273.5 (MANE Select); coding-DNA position 5553, C replaced by T.
Protein change: p.His1851=; no amino-acid change (histidine 1851 retained).
Molecular consequence: synonymous variant.
Genome position (GRCh38, 1-based): chr12:6,573,078, G>A on the plus strand (C>T on the coding strand, the complement: CHD4 is on the minus strand). VCF-style: chr12-6573078-G-A. GRCh37 (hg19) VCF-style: chr12-6682244-G-A.
Other names: c.5532C>T, p.His1844= (NM_001297553.2); c.5520C>T, p.His1840= (NM_001363606.2).
Identifiers: ClinVar variation 2692459 (VCV002692459.1), dbSNP rs1948006247, ClinGen allele CA478148618.
Genomic context (GRCh38, chr12:6,573,078, plus strand): 5'-GATGCAGTCAGATCAGGGAGGCCGAATCGGCAGGAGGCAGGGGAGCCACTGGCTACCTTT[G>A]TGCAGGACTGCATTGGCTGGCTTGTTTCCTGCCATTGACTCCTTGGACAGGTGCTGATGA-3'
Protein context (NP_001264.2, residues 1841-1861): AGNKPANAVL[His1851=]KVLKQLEELL

ClinVar aggregate classification (germline): Uncertain significance (1 of 4 stars; one submission).

Allele frequency attached by ClinVar (database versions not stated): gnomAD exomes below 0.00001; TOPMed below 0.00001.

Submission:

Greenwood Genetic Center Diagnostic Laboratories, Greenwood Genetic Center
Classification: Uncertain significance. Last evaluated: 2023-11-13. Review status: criteria provided, single submitter. Criteria: ACMG Guidelines, 2015. Collection method: clinical testing. Allele origin: germline. Affected: yes.
Comment: BP7